The following is an entry in ClinVar:

ClinVar aggregate classification (germline): Uncertain significance (1 of 4 stars; one submission).

Conditions:
Axenfeld-Rieger syndrome type 3 (RIEG3). Also called: AXENFELD-RIEGER ANOMALY WITH CARDIAC DEFECTS AND/OR SENSORINEURAL HEARING LOSS. Identifiers: Orphanet 782, MedGen C2678503, MONDO:0011233, OMIM 602482.

Allele frequency attached by ClinVar (database versions not stated): gnomAD exomes below 0.00001.

Submission:

Labcorp Genetics (formerly Invitae), Labcorp
Classification: Uncertain significance for Axenfeld-Rieger syndrome type 3. Last evaluated: 2019-05-13. Review status: criteria provided, single submitter. Criteria: Invitae Variant Classification Sherloc (09022015). Collection method: clinical testing. Allele origin: germline.
Comment: This sequence change replaces alanine with glycine at codon 179 of the FOXC1 protein (p.Ala179Gly). The alanine residue is highly conserved and there is a small physicochemical difference between alanine and glycine. This variant is not present in population databases (ExAC no frequency). This variant has not been reported in the literature in individuals with FOXC1-related conditions. Algorithms developed to predict the effect of missense changes on protein structure and function are either unavailable or do not agree on the potential impact of this missense change (SIFT: "Deleterious"; PolyPhen-2: "Benign"; Align-GVGD: "Class C55"). In summary, the available evidence is currently insufficient to determine the role of this variant in disease. Therefore, it has been classified as a Variant of Uncertain Significance.

NM_001453.3(FOXC1):c.536C>G (p.Ala179Gly)

Gene: FOXC1 (forkhead box C1; plus strand). Cytogenetic location: 6p25.3.
Variant type: single nucleotide variant.
Coding change: c.536C>G on transcript NM_001453.3 (MANE Select); coding-DNA position 536, C replaced by G.
Protein change: p.Ala179Gly; replaces alanine 179 with glycine.
Molecular consequence: missense variant.
Genome position (GRCh38, 1-based): chr6:1,610,981, C>G. VCF-style: chr6-1610981-C-G. GRCh37 (hg19) VCF-style: chr6-1611216-C-G.
Other names: short protein forms A179G.
Identifiers: ClinVar variation 834222 (VCV000834222.9), dbSNP rs752984586, ClinGen allele CA362559045.